The following is an entry in ClinVar:

ClinVar aggregate classification (germline): Likely benign. Review status: criteria provided, multiple submitters, no conflicts (2 of 4 stars). 2 submissions from 2 submitters: Likely benign (2). Last evaluated 2022-08-13.

Conditions:
Epilepsy, childhood absence 4 (ECA4). Also called: EPILEPSY, CHILDHOOD ABSENCE, SUSCEPTIBILITY TO, 4. Identifiers: Orphanet 307, MedGen C1970160.
Idiopathic generalized epilepsy. Also called: Generalised epilepsy; EIG. Identifiers: MedGen C0270850, MONDO:0005579, OMIM 600669.
Epilepsy, idiopathic generalized, susceptibility to, 13. Also called: EPILEPSY, JUVENILE MYOCLONIC, SUSCEPTIBILITY TO, 5. Identifiers: Orphanet 307, Orphanet 64280, MedGen C4013473, MONDO:0012627, OMIM 611136.

Allele frequency attached by ClinVar (database versions not stated): gnomAD exomes below 0.00001.
gnomAD v4.1: 1 of 1,551,186 alleles (0.000064%); highest among the groups gnomAD compares: Non-Finnish European, 0.000089%; no homozygotes.

Submissions (2):

Labcorp Genetics (formerly Invitae), Labcorp
Classification: Likely benign for Epilepsy, childhood absence 4; Epilepsy, idiopathic generalized, susceptibility to, 13; Idiopathic generalized epilepsy. Last evaluated: 2022-08-13. Review status: criteria provided, single submitter. Criteria: Invitae Variant Classification Sherloc (09022015). Collection method: clinical testing. Allele origin: germline.

GeneDx
Classification: Likely benign. Last evaluated: 2017-01-18. Review status: criteria provided, single submitter. Criteria: GeneDx Variant Classification (06012015). Collection method: clinical testing. Allele origin: germline. Affected: yes.
Comment: This variant is considered likely benign or benign based on one or more of the following criteria: it is a conservative change, it occurs at a poorly conserved position in the protein, it is predicted to be benign by multiple in silico algorithms, and/or has population frequency not consistent with disease.

NM_001127644.2(GABRA1):c.559+19A>G

Gene: GABRA1 (gamma-aminobutyric acid type A receptor subunit alpha1; plus strand). Cytogenetic location: 5q34.
Variant type: single nucleotide variant.
Coding change: c.559+19A>G on transcript NM_001127644.2 (MANE Select); 19 bases into the intron after coding-DNA position 559, A replaced by G.
Molecular consequence: intron variant.
Genome position (GRCh38, 1-based): chr5:161,875,661, A>G. VCF-style: chr5-161875661-A-G. GRCh37 (hg19) VCF-style: chr5-161302667-A-G.
Other names: c.559+19A>G (NM_000806.5, NM_001127643.2, NM_001127645.2 and 1 more transcripts).
Identifiers: ClinVar variation 506910 (VCV000506910.5), dbSNP rs1554085838, ClinGen allele CA658796677.